The following is an entry in ClinVar:

ClinVar aggregate classification (germline): Uncertain significance. Review status: criteria provided, multiple submitters, no conflicts (2 of 4 stars). 3 submissions from 3 submitters: Uncertain significance (3). Last evaluated 2026-01-19.

Conditions:
Hereditary cancer-predisposing syndrome. Also called: Hereditary neoplastic syndrome; Neoplastic Syndromes, Hereditary; Tumor predisposition; Hereditary Cancer Syndrome. Identifiers: Orphanet 140162, MedGen C0027672, MeSH D009386, MONDO:0015356.
Endometrial carcinoma. Also called: Endometrial carcinoma, somatic. Identifiers: MedGen C0476089, MONDO:0002447, OMIM 608089, HP:0012114.

Allele frequency attached by ClinVar (database versions not stated): gnomAD exomes below 0.00001.
gnomAD v4.1: 2 of 1,611,576 alleles (0.00012%); highest among the groups gnomAD compares: Non-Finnish European, 0.00017%; no homozygotes.

Submissions (3):

Labcorp Genetics (formerly Invitae), Labcorp
Classification: Uncertain significance. Last evaluated: 2026-01-19. Review status: criteria provided, single submitter. Criteria: Invitae Variant Classification Sherloc (09022015). Collection method: clinical testing. Allele origin: germline.
Comment: This sequence change replaces proline, which is neutral and non-polar, with arginine, which is basic and polar, at codon 498 of the MSH3 protein (p.Pro498Arg). This variant is not present in population databases (gnomAD no frequency). This variant has not been reported in the literature in individuals affected with MSH3-related conditions. ClinVar contains an entry for this variant (Variation ID: 941889). An algorithm developed to predict the effect of missense changes on protein structure and function (PolyPhen-2) suggests that this variant is likely to be tolerated. In summary, the available evidence is currently insufficient to determine the role of this variant in disease. Therefore, it has been classified as a Variant of Uncertain Significance.

Ambry Genetics
Classification: Uncertain significance for Hereditary cancer-predisposing syndrome. Last evaluated: 2025-06-06. Review status: criteria provided, single submitter. Criteria: Ambry Variant Classification Scheme 2023. Collection method: clinical testing. Allele origin: germline.
Comment: The p.P498R variant (also known as c.1493C>G), located in coding exon 10 of the MSH3 gene, results from a C to G substitution at nucleotide position 1493. The proline at codon 498 is replaced by arginine, an amino acid with dissimilar properties. This amino acid position is conserved. In addition, the in silico prediction for this alteration is inconclusive. Since supporting evidence is limited at this time, the clinical significance of this alteration remains unclear.

Baylor Genetics
Classification: Uncertain significance for Endometrial carcinoma. Last evaluated: 2023-12-16. Review status: criteria provided, single submitter. Criteria: ACMG Guidelines, 2015. Collection method: clinical testing. Allele origin: unknown.

NM_002439.5(MSH3):c.1493C>G (p.Pro498Arg)

Gene: MSH3 (mutS homolog 3; plus strand). Cytogenetic location: 5q14.1.
Variant type: single nucleotide variant.
Coding change: c.1493C>G on transcript NM_002439.5 (MANE Select); coding-DNA position 1493, C replaced by G.
Protein change: p.Pro498Arg; replaces proline 498 with arginine.
Molecular consequence: missense variant.
Genome position (GRCh38, 1-based): chr5:80,728,890, C>G. VCF-style: chr5-80728890-C-G. GRCh37 (hg19) VCF-style: chr5-80024709-C-G.
Other names: short protein forms P498R.
Identifiers: ClinVar variation 941889 (VCV000941889.13), dbSNP rs1743353099, ClinGen allele CA360274223.
Genomic context (GRCh38, chr5:80,728,890, plus strand): 5'-TTAATATATTCTGTTTTCTAGGTTCTCAAATTATTTCTGGCATTGTTAACTTAGAGAAGC[C>G]TGTGATTTGCTCTTTGGCTGCCATCATAAAATACCTCAAAGAATTCAACTTGGAAAAGAT-3'
Protein context (NP_002430.3, residues 488-508): IISGIVNLEK[Pro498Arg]VICSLAAIIK